The following is an entry in ClinVar:

ClinVar aggregate classification (germline): Likely benign. Review status: criteria provided, multiple submitters, no conflicts (2 of 4 stars). 4 submissions from 4 submitters: Likely benign (2). 2 of the submissions do not count toward it. Last evaluated 2025-12-17.

Conditions:
Autosomal recessive limb-girdle muscular dystrophy type 2J (LGMDR10). Also called: MUSCULAR DYSTROPHY, LIMB-GIRDLE, AUTOSOMAL RECESSIVE 10; Limb-girdle muscular dystrophy, type 2J. Identifiers: Orphanet 140922, MedGen C1837342, MONDO:0012127, OMIM 608807.
Dilated cardiomyopathy 1G (CMD1G). Identifiers: Orphanet 154, MedGen C1858763, MONDO:0011400, OMIM 604145.

Allele frequency attached by ClinVar (database versions not stated): gnomAD exomes below 0.00001; TOPMed below 0.00001; gnomAD 0.00001.
gnomAD v4.1: 3 of 1,613,160 alleles (0.00019%); highest among the groups gnomAD compares: Non-Finnish European, 0.00025%; no homozygotes.

Submissions (4):

Labcorp Genetics (formerly Invitae), Labcorp
Classification: Likely benign for Dilated cardiomyopathy 1G; Autosomal recessive limb-girdle muscular dystrophy type 2J. Last evaluated: 2025-12-17. Review status: criteria provided, single submitter. Criteria: Invitae Variant Classification Sherloc (09022015). Collection method: clinical testing. Allele origin: germline.

GeneDx
Classification: Likely benign. Last evaluated: 2017-11-14. Review status: criteria provided, single submitter. Criteria: GeneDx Variant Classification (06012015). Collection method: clinical testing. Allele origin: germline. Affected: yes.
Comment: This variant is considered likely benign or benign based on one or more of the following criteria: it is a conservative change, it occurs at a poorly conserved position in the protein, it is predicted to be benign by multiple in silico algorithms, and/or has population frequency not consistent with disease.

Clinical Genetics, Academic Medical Center
Classification: Benign. Review status: no assertion criteria provided. Collection method: clinical testing. Allele origin: germline. Affected: yes. Study: VKGL Data-share Consensus. Not counted in ClinVar's aggregate classification.

Diagnostic Laboratory, Department of Genetics, University Medical Center Groningen
Classification: Likely benign. Review status: no assertion criteria provided. Collection method: clinical testing. Allele origin: germline. Affected: yes. Study: VKGL Data-share Consensus. Not counted in ClinVar's aggregate classification.

NM_001267550.2(TTN):c.42750G>A (p.Leu14250=)

Gene: TTN (titin; minus strand). Cytogenetic location: 2q31.2.
Variant type: single nucleotide variant.
Coding change: c.42750G>A on transcript NM_001267550.2 (MANE Select); coding-DNA position 42750, G replaced by A.
Protein change: p.Leu14250=; no amino-acid change (leucine 14250 retained).
Molecular consequence: synonymous variant.
Genome position (GRCh38, 1-based): chr2:178,633,609, C>T on the plus strand (G>A on the coding strand, the complement: TTN is on the minus strand). VCF-style: chr2-178633609-C-T. GRCh37 (hg19) VCF-style: chr2-179498336-C-T.
Other names: c.37827G>A, p.Leu12609= (NM_001256850.1); c.15555G>A, p.Leu5185= (NM_003319.4); c.35046G>A, p.Leu11682= (NM_133378.4); c.15930G>A, p.Leu5310= (NM_133432.3); c.16131G>A, p.Leu5377= (NM_133437.4).
Identifiers: ClinVar variation 513517 (VCV000513517.13), dbSNP rs1273953637, ClinGen allele CA430277021.
Genomic context (GRCh38, chr2:178,633,609, plus strand): 5'-GACAATCTCTTCACCATCTTTGAACCATTTCACTGGTACATCTTTGCTCACTTCACACTT[C>T]AAAGTAATCTCATCCTTCTCCACTGCAGTTTTGTCATGTAATTTCACAGTGAAGTAGGGA-3'
Protein context (NP_001254479.2, residues 14240-14260): KTAVEKDEIT[Leu14250=]KCEVSKDVPV